The following is an entry in ClinVar:

NM_213599.3(ANO5):c.686A>G (p.Glu229Gly)

Gene: ANO5 (anoctamin 5; plus strand). Cytogenetic location: 11p14.3.
Variant type: single nucleotide variant.
Coding change: c.686A>G on transcript NM_213599.3 (MANE Select); coding-DNA position 686, A replaced by G.
Protein change: p.Glu229Gly; replaces glutamic acid 229 with glycine.
Molecular consequence: missense variant.
Genome position (GRCh38, 1-based): chr11:22,236,200, A>G. VCF-style: chr11-22236200-A-G. GRCh37 (hg19) VCF-style: chr11-22257746-A-G.
Other names: c.644A>G, p.Glu215Gly (NM_001410963.1); c.641A>G, p.Glu214Gly (NM_001410964.1); c.683A>G, p.Glu228Gly (NM_001142649.2); short protein forms E214G, E215G, E228G, E229G.
Identifiers: ClinVar variation 2954379 (VCV002954379.3), dbSNP rs2494189000, ClinGen allele CA379920190.

ClinVar aggregate classification (germline): Uncertain significance (1 of 4 stars; one submission).

Conditions:
Gnathodiaphyseal dysplasia (GDD). Also called: GNATHODIAPHYSEAL SCLEROSIS; OSTEOGENESIS IMPERFECTA WITH UNUSUAL SKELETAL LESIONS. Identifiers: Orphanet 53697, MedGen C1833736, MONDO:0008151, OMIM 166260.
Autosomal recessive limb-girdle muscular dystrophy type 2L (LGMDR12). Also called: MUSCULAR DYSTROPHY, LIMB-GIRDLE, AUTOSOMAL RECESSIVE 12; Limb-girdle muscular dystrophy, type 2L; Limb-Girdle Muscular Dystrophy R12 Anoctamin-5-Related (LGMD-R12). Identifiers: Orphanet 206549, MedGen C1969785, MONDO:0012652, OMIM 611307.

Submission:

Labcorp Genetics (formerly Invitae), Labcorp
Classification: Uncertain significance for Autosomal recessive limb-girdle muscular dystrophy type 2L; Gnathodiaphyseal dysplasia. Last evaluated: 2023-12-02. Review status: criteria provided, single submitter. Criteria: Invitae Variant Classification Sherloc (09022015). Collection method: clinical testing. Allele origin: germline.
Comment: This sequence change replaces glutamic acid, which is acidic and polar, with glycine, which is neutral and non-polar, at codon 229 of the ANO5 protein (p.Glu229Gly). This variant is not present in population databases (gnomAD no frequency). This variant has not been reported in the literature in individuals affected with ANO5-related conditions. Advanced modeling of protein sequence and biophysical properties (such as structural, functional, and spatial information, amino acid conservation, physicochemical variation, residue mobility, and thermodynamic stability) performed at Invitae indicates that this missense variant is expected to disrupt ANO5 protein function with a positive predictive value of 80%. Algorithms developed to predict the effect of sequence changes on RNA splicing suggest that this variant may disrupt the consensus splice site. In summary, the available evidence is currently insufficient to determine the role of this variant in disease. Therefore, it has been classified as a Variant of Uncertain Significance.